The following is an entry in ClinVar:

ClinVar aggregate classification (germline): Pathogenic (1 of 4 stars; one submission).

Conditions:
Familial thoracic aortic aneurysm and aortic dissection (TAAD). Also called: Thoracic aortic aneurysms and dissections. Identifiers: Orphanet 91387, MedGen C4707243, MONDO:0019625.
Marfan syndrome (MFS). Also called: MARFAN SYNDROME, TYPE I; Marfan syndrome type 1; Marfan's syndrome; Marfan syndrome, classic; FBN1-Related Marfan Syndrome. Identifiers: Orphanet 284963, Orphanet 558, MedGen C0024796, MONDO:0007947, OMIM 154700.

Submission:

Labcorp Genetics (formerly Invitae), Labcorp
Classification: Pathogenic for Marfan syndrome; Familial thoracic aortic aneurysm and aortic dissection. Last evaluated: 2022-10-03. Review status: criteria provided, single submitter. Criteria: Invitae Variant Classification Sherloc (09022015). Collection method: clinical testing. Allele origin: germline.
Comment: For these reasons, this variant has been classified as Pathogenic. This sequence change replaces cysteine, which is neutral and slightly polar, with glycine, which is neutral and non-polar, at codon 582 of the FBN1 protein (p.Cys582Gly). This variant is not present in population databases (gnomAD no frequency). This missense change has been observed in individual(s) with Marfan syndrome (Invitae). Advanced modeling of protein sequence and biophysical properties (such as structural, functional, and spatial information, amino acid conservation, physicochemical variation, residue mobility, and thermodynamic stability) performed at Invitae indicates that this missense variant is expected to disrupt FBN1 protein function. This variant affects a cysteine residue in the EGF-like, TGFBP or hybrid motif domains of FBN1. Cysteine residues are believed to be involved in intramolecular disulfide bridges and have been shown to be important for FBN1 protein structure (PMID: 16905551, 19349279). In addition, missense substitutions affecting cysteine residues within these domains are significantly overrepresented among patients with Marfan syndrome (PMID: 16571647, 17701892). This variant disrupts the p.Cys582 amino acid residue in FBN1. Other variant(s) that disrupt this residue have been observed in individuals with FBN1-related conditions (PMID: 18435798; Invitae), which suggests that this may be a clinically significant amino acid residue.

Literature cited by the submitters: PubMed 16905551; PubMed 19349279; PubMed 16571647; PubMed 17701892; PubMed 18435798.

NM_000138.5(FBN1):c.1744T>G (p.Cys582Gly)

Gene: FBN1 (fibrillin 1; minus strand). Cytogenetic location: 15q21.1.
Variant type: single nucleotide variant.
Coding change: c.1744T>G on transcript NM_000138.5 (MANE Select); coding-DNA position 1744, T replaced by G.
Protein change: p.Cys582Gly; replaces cysteine 582 with glycine.
Molecular consequence: missense variant.
Genome position (GRCh38, 1-based): chr15:48,508,675, A>C on the plus strand (T>G on the coding strand, the complement: FBN1 is on the minus strand). VCF-style: chr15-48508675-A-C. GRCh37 (hg19) VCF-style: chr15-48800872-A-C.
Other names: c.1744T>G, p.Cys582Gly (NM_001406716.1); short protein forms C582G.
Identifiers: ClinVar variation 2033835 (VCV002033835.4), dbSNP rs2141321636, ClinGen allele CA392340562.